The following is an entry in ClinVar:

ClinVar aggregate classification (germline): Likely benign. Review status: criteria provided, multiple submitters, no conflicts (2 of 4 stars). 3 submissions from 3 submitters: Likely benign (3). Last evaluated 2025-01-01.

Allele frequency attached by ClinVar (database versions not stated): TOPMed 0.00096; ESP Exome Variant Server 0.00100; gnomAD 0.00104; ExAC 0.00161; 1000 Genomes Project 30x 0.00234; 1000 Genomes Project 0.00260.
gnomAD v4.1: 1,125 of 1,613,806 alleles (0.07%); highest among the groups gnomAD compares: South Asian, 0.84%; 8 homozygotes.

Submissions (3):

CeGaT Center for Human Genetics Tuebingen
Classification: Likely benign. Last evaluated: 2025-01-01. Review status: criteria provided, single submitter. Criteria: CeGaT Center For Human Genetics Tuebingen Variant Classification Criteria Version 2. Collection method: clinical testing. Allele origin: germline. Affected: yes. Observed: 3 variant alleles.
Comment: KIF1B: BP4, BS1

Blueprint Genetics
Classification: Likely benign. Last evaluated: 2024-09-20. Review status: criteria provided, single submitter. Criteria: ACMG Guidelines, 2015. Collection method: clinical testing. Allele origin: germline.

ARUP Laboratories, Molecular Genetics and Genomics, ARUP Laboratories
Classification: Likely benign. Last evaluated: 2023-12-20. Review status: criteria provided, single submitter. Criteria: ARUP Molecular Germline Variant Investigation Process 2024. Collection method: clinical testing. Allele origin: germline.

NM_001365951.3(KIF1B):c.2115+7274A>G

Gene: KIF1B (kinesin family member 1B; plus strand). Cytogenetic location: 1p36.22.
Variant type: single nucleotide variant.
Coding change: c.2115+7274A>G on transcript NM_001365951.3 (MANE Select); 7274 bases into the intron after coding-DNA position 2115, A replaced by G.
Molecular consequence: intron variant. On other transcripts: missense variant (2).
Genome position (GRCh38, 1-based): chr1:10,304,520, A>G. VCF-style: chr1-10304520-A-G. GRCh37 (hg19) VCF-style: chr1-10364578-A-G.
Other names: c.3335A>G, p.Asn1112Ser (NM_001365953.1, NM_183416.4); c.1977+7274A>G (NM_015074.3); c.2115+7274A>G (NM_001365952.1); short protein forms N1112S.
Identifiers: ClinVar variation 3024779 (VCV003024779.24), dbSNP rs142737643, ClinGen allele CA581426.